The following is an entry in ClinVar:

NM_032043.3(BRIP1):c.182T>G (p.Leu61Ter)

Gene: BRIP1 (BRCA1 interacting DNA helicase 1; minus strand). Cytogenetic location: 17q23.2.
Variant type: single nucleotide variant.
Coding change: c.182T>G on transcript NM_032043.3 (MANE Select); coding-DNA position 182, T replaced by G.
Protein change: p.Leu61Ter; replaces leucine 61 with a stop codon.
Molecular consequence: nonsense.
Genome position (GRCh38, 1-based): chr17:61,859,819, A>C on the plus strand (T>G on the coding strand, the complement: BRIP1 is on the minus strand). VCF-style: chr17-61859819-A-C. GRCh37 (hg19) VCF-style: chr17-59937180-A-C.
Other names: short protein forms L61*.
Identifiers: ClinVar variation 2583593 (VCV002583593.2), dbSNP rs1567876917, ClinGen allele CA400485695.

ClinVar aggregate classification (germline): Pathogenic (1 of 4 stars; one submission).

Conditions:
Familial cancer of breast. Also called: Hereditary breast cancer; BREAST CANCER, FAMILIAL; hereditary breast carcinoma. Identifiers: Orphanet 227535, MedGen C0346153, MONDO:0016419, OMIM 114480. Disease mechanism: loss of function.

Submission:

Myriad Genetics, Inc.
Classification: Pathogenic for Familial cancer of breast. Last evaluated: 2023-05-30. Review status: criteria provided, single submitter. Criteria: Myriad Autosomal Dominant, Autosomal Recessive and X-Linked Classification Criteria (2023). Collection method: clinical testing. Allele origin: unknown.
Comment: This variant is considered pathogenic. This variant creates a termination codon and is predicted to result in premature protein truncation.